The following is an entry in ClinVar:

ClinVar aggregate classification (germline): Uncertain significance. Review status: criteria provided, multiple submitters, no conflicts (2 of 4 stars). 2 submissions from 2 submitters: Uncertain significance (2). Last evaluated 2025-04-13.

Conditions:
Familial focal epilepsy with variable foci (FPEVF). Identifiers: Orphanet 98820, MedGen C1858477, MONDO:0020310.

Allele frequency attached by ClinVar (database versions not stated): TOPMed below 0.00001; gnomAD exomes 0.00001.
gnomAD v4.1: 8 of 1,614,040 alleles (0.0005%); highest among the groups gnomAD compares: East Asian, 0.0045%; no homozygotes.

Submissions (2):

GeneDx
Classification: Uncertain significance. Last evaluated: 2025-04-13. Review status: criteria provided, single submitter. Criteria: GeneDx Variant Classification Process June 2021. Collection method: clinical testing. Allele origin: germline. Affected: yes.
Comment: In silico analysis indicates that this missense variant does not alter protein structure/function; Has not been previously published as pathogenic or benign to our knowledge

Labcorp Genetics (formerly Invitae), Labcorp
Classification: Uncertain significance for Familial focal epilepsy with variable foci. Last evaluated: 2024-11-11. Review status: criteria provided, single submitter. Criteria: Invitae Variant Classification Sherloc (09022015). Collection method: clinical testing. Allele origin: germline.
Comment: This sequence change replaces aspartic acid, which is acidic and polar, with asparagine, which is neutral and polar, at codon 784 of the DEPDC5 protein (p.Asp784Asn). This variant is present in population databases (rs776885208, gnomAD 0.02%). This variant has not been reported in the literature in individuals affected with DEPDC5-related conditions. ClinVar contains an entry for this variant (Variation ID: 238675). Experimental studies and prediction algorithms are not available or were not evaluated, and the functional significance of this variant is currently unknown. In summary, the available evidence is currently insufficient to determine the role of this variant in disease. Therefore, it has been classified as a Variant of Uncertain Significance.

NM_001242896.3(DEPDC5):c.2350G>A (p.Asp784Asn)

Gene: DEPDC5 (DEP domain containing 5, GATOR1 subcomplex subunit; plus strand). Cytogenetic location: 22q12.3.
Variant type: single nucleotide variant.
Coding change: c.2350G>A on transcript NM_001242896.3 (MANE Select); coding-DNA position 2350, G replaced by A.
Protein change: p.Asp784Asn; replaces aspartic acid 784 with asparagine.
Molecular consequence: missense variant. On other transcripts: non-coding transcript variant (5).
Genome position (GRCh38, 1-based): chr22:31,837,151, G>A. VCF-style: chr22-31837151-G-A. GRCh37 (hg19) VCF-style: chr22-32233137-G-A.
Other names: c.2323G>A, p.Asp775Asn (NM_001136029.4, NM_001369903.1, NM_014662.6); c.2116G>A, p.Asp706Asn (NM_001242897.2, NM_001363854.2, NM_001364319.2); c.2350G>A, p.Asp784Asn (NM_001363852.2, NM_001364318.2, NM_001364320.2); c.2266G>A, p.Asp756Asn (NM_001369901.1, NM_001369902.1); short protein forms D706N, D784N, D775N, D756N.
Identifiers: ClinVar variation 238675 (VCV000238675.11), dbSNP rs776885208, ClinGen allele CA10196684.